The following is an entry in ClinVar:

ClinVar aggregate classification (germline): Uncertain significance. Review status: criteria provided, multiple submitters, no conflicts (2 of 4 stars). 2 submissions from 2 submitters: Uncertain significance (2). Last evaluated 2024-07-25.

Conditions:
Amyotrophic lateral sclerosis type 1 (ALS1). Also called: AMYOTROPHIC LATERAL SCLEROSIS 1, FAMILIAL. Identifiers: Orphanet 803, MedGen C1862939, MONDO:0007103, OMIM 105400.
Perry syndrome. Also called: PARKINSONISM WITH ALVEOLAR HYPOVENTILATION AND MENTAL DEPRESSION. Identifiers: Orphanet 178509, MedGen C1868594, MONDO:0008201, OMIM 168605.
Neuronopathy, distal hereditary motor, type 7B. Also called: NEURONOPATHY, DISTAL HEREDITARY MOTOR, HARDING TYPE VIIB; NEUROPATHY, DISTAL HEREDITARY MOTOR, HARDING TYPE VIIB; NEUROPATHY, DISTAL HEREDITARY MOTOR, WITH VOCAL CORD PARALYSIS, HARDING TYPE VIIB; NEURONOPATHY, DISTAL HEREDITARY MOTOR, AUTOSOMAL DOMINANT 14; Distal Hereditary Motor Neuronopathy Type 7B (dHMN7B); HMN VIIB. Identifiers: Orphanet 139589, MedGen C1843315, MONDO:0011879, OMIM 607641.
Inborn genetic diseases. Identifiers: MedGen C0950123, MeSH D030342.

Allele frequency attached by ClinVar (database versions not stated): gnomAD exomes below 0.00001; gnomAD 0.00001; TOPMed 0.00001.
gnomAD v4.1: 2 of 1,613,404 alleles (0.00012%); highest among the groups gnomAD compares: Non-Finnish European, 0.00017%; no homozygotes.

Submissions (2):

Labcorp Genetics (formerly Invitae), Labcorp
Classification: Uncertain significance for Amyotrophic lateral sclerosis type 1; Neuronopathy, distal hereditary motor, type 7B; Perry syndrome. Last evaluated: 2024-07-25. Review status: criteria provided, single submitter. Criteria: Invitae Variant Classification Sherloc (09022015). Collection method: clinical testing. Allele origin: germline.
Comment: This sequence change replaces aspartic acid, which is acidic and polar, with glycine, which is neutral and non-polar, at codon 1204 of the DCTN1 protein (p.Asp1204Gly). This variant is not present in population databases (gnomAD no frequency). This variant has not been reported in the literature in individuals affected with DCTN1-related conditions. ClinVar contains an entry for this variant (Variation ID: 999085). An algorithm developed to predict the effect of missense changes on protein structure and function (PolyPhen-2) suggests that this variant is likely to be tolerated. In summary, the available evidence is currently insufficient to determine the role of this variant in disease. Therefore, it has been classified as a Variant of Uncertain Significance.

Ambry Genetics
Classification: Uncertain significance for Inborn genetic diseases. Last evaluated: 2020-06-22. Review status: criteria provided, single submitter. Criteria: Ambry Variant Classification Scheme 2023. Collection method: clinical testing. Allele origin: germline.
Comment: The p.D1204G variant (also known as c.3611A>G), located in coding exon 31 of the DCTN1 gene, results from an A to G substitution at nucleotide position 3611. The aspartic acid at codon 1204 is replaced by glycine, an amino acid with similar properties. This amino acid position is well conserved in available vertebrate species. In addition, this alteration is predicted to be tolerated by in silico analysis. Since supporting evidence is limited at this time, the clinical significance of this alteration remains unclear.

NM_004082.5(DCTN1):c.3611A>G (p.Asp1204Gly)

Gene: DCTN1 (dynactin subunit 1; minus strand). Cytogenetic location: 2p13.1.
Variant type: single nucleotide variant.
Coding change: c.3611A>G on transcript NM_004082.5 (MANE Select); coding-DNA position 3611, A replaced by G.
Protein change: p.Asp1204Gly; replaces aspartic acid 1204 with glycine.
Molecular consequence: missense variant. On other transcripts: non-coding transcript variant (1).
Genome position (GRCh38, 1-based): chr2:74,362,140, T>C on the plus strand (A>G on the coding strand, the complement: DCTN1 is on the minus strand). VCF-style: chr2-74362140-T-C. GRCh37 (hg19) VCF-style: chr2-74589267-T-C.
Other names: c.3536A>G, p.Asp1179Gly (NM_001135040.3); c.3194A>G, p.Asp1065Gly (NM_001135041.3); c.3485A>G, p.Asp1162Gly (NM_001190836.2); c.3590A>G, p.Asp1197Gly (NM_001190837.2); c.3560A>G, p.Asp1187Gly (NM_001378991.1); c.3542A>G, p.Asp1181Gly (NM_001378992.1); c.3209A>G, p.Asp1070Gly (NM_023019.4); short protein forms D1065G, D1070G, D1162G, D1179G, D1181G, D1187G, D1197G, D1204G.
Identifiers: ClinVar variation 999085 (VCV000999085.12), dbSNP rs1180149480, ClinGen allele CA347335142.